The following is an entry in ClinVar:

ClinVar aggregate classification (germline): Likely benign (1 of 4 stars; one submission).

Allele frequency attached by ClinVar (database versions not stated): TOPMed 0.00001.
gnomAD v4.1: 5 of 1,612,510 alleles (0.00031%); highest among the groups gnomAD compares: East Asian, 0.0045%; no homozygotes.

Submission:

CeGaT Center for Human Genetics Tuebingen
Classification: Likely benign. Last evaluated: 2022-06-01. Review status: criteria provided, single submitter. Criteria: CeGaT Center For Human Genetics Tuebingen Variant Classification Criteria Version 2. Collection method: clinical testing. Allele origin: germline. Affected: yes. Observed: 1 variant allele.
Comment: MUC5B: BP4, BP7

NM_002458.3(MUC5B):c.5709G>A (p.Thr1903=)

Genes: MUC5B (mucin 5B, oligomeric mucus/gel-forming; plus strand), MUC5B-AS1 (MUC5B antisense RNA 1; minus strand). Cytogenetic location: 11p15.5.
Variant type: single nucleotide variant.
Coding change: c.5709G>A on transcript NM_002458.3 (MANE Select); coding-DNA position 5709, G replaced by A.
Protein change: p.Thr1903=; no amino-acid change (threonine 1903 retained).
Molecular consequence: synonymous variant. On other transcripts: non-coding transcript variant (1).
Genome position (GRCh38, 1-based): chr11:1,242,589, G>A. VCF-style: chr11-1242589-G-A. GRCh37 (hg19) VCF-style: chr11-1263819-G-A.
Identifiers: ClinVar variation 2641209 (VCV002641209.24), dbSNP rs1240514869, ClinGen allele CA472449575.